The following is an entry in ClinVar:

ClinVar aggregate classification (germline): Uncertain significance. Review status: criteria provided, multiple submitters, no conflicts (2 of 4 stars). 2 submissions from 2 submitters: Uncertain significance (2). Last evaluated 2025-05-23.

Conditions:
Inborn genetic diseases. Identifiers: MedGen C0950123, MeSH D030342.

Allele frequency attached by ClinVar (database versions not stated): gnomAD 0.00003 and 0.00004; gnomAD exomes 0.00004 and 0.00005; TOPMed 0.00003; ExAC 0.00004.
gnomAD v4.1: 66 of 1,610,526 alleles (0.0041%); highest among the groups gnomAD compares: Admixed American, 0.013%; no homozygotes.

Submissions (2):

Ambry Genetics
Classification: Uncertain significance for Inborn genetic diseases. Last evaluated: 2025-05-23. Review status: criteria provided, single submitter. Criteria: Ambry Variant Classification Scheme 2023. Collection method: clinical testing. Allele origin: germline.

Labcorp Genetics (formerly Invitae), Labcorp
Classification: Uncertain significance. Last evaluated: 2023-07-07. Review status: criteria provided, single submitter. Criteria: Invitae Variant Classification Sherloc (09022015). Collection method: clinical testing. Allele origin: germline.
Comment: In summary, the available evidence is currently insufficient to determine the role of this variant in disease. Therefore, it has been classified as a Variant of Uncertain Significance. An algorithm developed to predict the effect of missense changes on protein structure and function (PolyPhen-2) suggests that this variant is likely to be disruptive. ClinVar contains an entry for this variant (Variation ID: 1450385). This variant has not been reported in the literature in individuals affected with MPDZ-related conditions. This variant is present in population databases (rs753255849, gnomAD 0.02%). This sequence change replaces tyrosine, which is neutral and polar, with cysteine, which is neutral and slightly polar, at codon 873 of the MPDZ protein (p.Tyr873Cys).

NM_001378778.1(MPDZ):c.2618A>G (p.Tyr873Cys)

Gene: MPDZ (multiple PDZ domain crumbs cell polarity complex component; minus strand). Cytogenetic location: 9p23.
Variant type: single nucleotide variant.
Coding change: c.2618A>G on transcript NM_001378778.1 (MANE Select); coding-DNA position 2618, A replaced by G.
Protein change: p.Tyr873Cys; replaces tyrosine 873 with cysteine.
Molecular consequence: missense variant.
Genome position (GRCh38, 1-based): chr9:13,183,449, T>C on the plus strand (A>G on the coding strand, the complement: MPDZ is on the minus strand). VCF-style: chr9-13183449-T-C. GRCh37 (hg19) VCF-style: chr9-13183448-T-C.
Other names: c.2618A>G, p.Tyr873Cys (NM_001261406.2, NM_001261407.2, NM_001330637.2 and 14 more transcripts); c.2618A>G (NM_003829.3); short protein forms Y873C.
Identifiers: ClinVar variation 1450385 (VCV001450385.8), dbSNP rs753255849, ClinGen allele CA4987407.